The following is an entry in ClinVar:

NC_000005.10:g.112707432T>C

Gene: APC (APC regulator of Wnt signaling pathway; plus strand). Cytogenetic location: 5q22.2.
Variant type: single nucleotide variant.
Genome position: GRCh38 VCF-style: chr5-112707432-T-C. GRCh37 (hg19) VCF-style: chr5-112043129-T-C.
Identifiers: ClinVar variation 1442098 (VCV001442098.6), dbSNP rs2149628691, ClinGen allele CA2573138760.

ClinVar aggregate classification (germline): Uncertain significance (1 of 4 stars; one submission).

Conditions:
Familial adenomatous polyposis 1 (FAP1). Also called: FAMILIAL ADENOMATOUS POLYPOSIS 1, ATTENUATED; POLYPOSIS, ADENOMATOUS INTESTINAL. Identifiers: MedGen C2713442, MONDO:0021056, OMIM 175100. Disease mechanism: loss of function.

Submission:

Labcorp Genetics (formerly Invitae), Labcorp
Classification: Uncertain significance for Familial adenomatous polyposis 1. Last evaluated: 2024-12-03. Review status: criteria provided, single submitter. Criteria: Invitae Variant Classification Sherloc (09022015). Collection method: clinical testing. Allele origin: germline.
Comment: This variant occurs in a non-coding region of the APC gene. It does not change the encoded amino acid sequence of the APC protein. This variant is not present in population databases (gnomAD no frequency). This variant has not been reported in the literature in individuals affected with APC-related conditions. Experimental studies and prediction algorithms are not available or were not evaluated, and the functional significance of this variant is currently unknown. In summary, the available evidence is currently insufficient to determine the role of this variant in disease. Therefore, it has been classified as a Variant of Uncertain Significance.